The following is an entry in ClinVar:

NM_002968.3(SALL1):c.3222G>A (p.Ala1074=)

Gene: SALL1 (spalt like transcription factor 1; minus strand). Cytogenetic location: 16q12.1.
Variant type: single nucleotide variant.
Coding change: c.3222G>A on transcript NM_002968.3 (MANE Select); coding-DNA position 3222, G replaced by A.
Protein change: p.Ala1074=; no amino-acid change (alanine 1074 retained).
Molecular consequence: synonymous variant.
Genome position (GRCh38, 1-based): chr16:51,139,000, C>T on the plus strand (G>A on the coding strand, the complement: SALL1 is on the minus strand). VCF-style: chr16-51139000-C-T. GRCh37 (hg19) VCF-style: chr16-51172911-C-T.
Other names: p.Ala1074=; c.2931G>A, p.Ala977= (NM_001127892.2).
Identifiers: ClinVar variation 319604 (VCV000319604.18), dbSNP rs61731131, ClinGen allele CA8052973.

ClinVar aggregate classification (germline): Benign/Likely benign. Review status: criteria provided, multiple submitters, no conflicts (2 of 4 stars). 6 submissions from 6 submitters: Benign (4); Likely benign (2). Last evaluated 2026-01-19.

Conditions:
Townes syndrome (TBS). Also called: Townes-Brocks syndrome. Identifiers: Orphanet 857, MedGen C0265246, MeSH C536974, MONDO:0007142.
Townes-Brocks syndrome 1 (TBS1). Also called: REAR SYNDROME; RENAL-EAR-ANAL-RADIAL SYNDROME; SALL1-Related Townes-Brocks Syndrome; DEAFNESS, SENSORINEURAL, WITH IMPERFORATE ANUS AND THUMB ANOMALIES. Identifiers: Orphanet 857, MedGen C4551481, MONDO:0054581, OMIM 107480.

Allele frequency attached by ClinVar (database versions not stated): gnomAD 0.00596 and 0.00636; ESP Exome Variant Server 0.00662; TOPMed 0.00722; 1000 Genomes Project 0.00799; 1000 Genomes Project 30x 0.00874.

Submissions (6):

Labcorp Genetics (formerly Invitae), Labcorp
Classification: Benign for Townes syndrome. Last evaluated: 2026-01-19. Review status: criteria provided, single submitter. Criteria: Invitae Variant Classification Sherloc (09022015). Collection method: clinical testing. Allele origin: germline.

Blueprint Genetics
Classification: Likely benign. Last evaluated: 2024-11-14. Review status: criteria provided, single submitter. Criteria: ACMG Guidelines, 2015. Collection method: clinical testing. Allele origin: germline.

Mayo Clinic Laboratories, Mayo Clinic
Classification: Benign. Last evaluated: 2023-10-10. Review status: criteria provided, single submitter. Criteria: ACMG Guidelines, 2015. Collection method: clinical testing. Allele origin: germline. Observed: 1 variant allele.
Comment: BS1, BS2, BP4, BP7

Fulgent Genetics
Classification: Likely benign for Townes-Brocks syndrome 1. Last evaluated: 2021-07-19. Review status: criteria provided, single submitter. Criteria: ACMG Guidelines, 2015. Collection method: clinical testing. Allele origin: unknown.

GeneDx
Classification: Benign. Last evaluated: 2015-03-03. Review status: criteria provided, single submitter. Criteria: GeneDx Variant Classification Process June 2021. Collection method: clinical testing. Allele origin: germline. Affected: yes.

Breakthrough Genomics
Classification: Benign. Review status: criteria provided, single submitter. Criteria: ACMG Guidelines, 2015. Collection method: not provided. Allele origin: germline. Inheritance: Autosomal dominant inheritance. Affected: yes.